The following is an entry in ClinVar:

NM_022124.6(CDH23):c.5552dup (p.Leu1852fs)

Gene: CDH23 (cadherin related 23; plus strand). Cytogenetic location: 10q22.1.
Variant type: Duplication.
Coding change: c.5552dup on transcript NM_022124.6 (MANE Select); coding-DNA position 5552, one base duplicated (T; older notation c.5552dupT).
Protein change: p.Leu1852fs; shifts the reading frame from leucine 1852.
Molecular consequence: frameshift variant.
Genome position (GRCh38, 1-based): chr10:71,784,940, T duplicated. VCF-style (leftmost placement, unchanged base first): chr10-71784939-C-CT. GRCh37 (hg19) VCF-style: chr10-73544696-C-CT.
Other names: short protein forms L1852fs.
Identifiers: ClinVar variation 4816084 (VCV004816084.1).

ClinVar aggregate classification (germline): Likely pathogenic (1 of 4 stars; one submission).

Conditions:
Usher syndrome type 1 (USH1). Also called: RETINITIS PIGMENTOSA AND CONGENITAL DEAFNESS. Identifiers: Orphanet 231169, Orphanet 886, MedGen C1568247, MONDO:0010168, OMIM 276900.

Submission:

Natera, Inc.
Classification: Likely pathogenic for Usher syndrome type 1. Last evaluated: 2025-11-18. Review status: criteria provided, single submitter. Criteria: Natera Variant Classification Schema (03/2026). Collection method: clinical testing. Allele origin: germline.
Comment: The c.5552dupT variant in CDH23 is a frameshift variant predicted to shift the reading frame beginning at codon 1852 and leads to a stop codon 26 codons downstream. This variant is expected to result in nonsense mediated decay, truncation, or a dysfunctional protein product. This variant is rare in the general population with a frequency below the threshold expected for the associated phenotype(s). Given the available evidence, this variant is classified as Likely Pathogenic.